The following is an entry in ClinVar:

ClinVar aggregate classification (germline): Uncertain significance (1 of 4 stars; one submission).

Conditions:
Lymphoproliferative syndrome 1 (LPFS1). Identifiers: Orphanet 238505, Orphanet 538963, MedGen C3552634, MONDO:0013081, OMIM 613011.

gnomAD v4.1: 10 of 1,613,966 alleles (0.00062%); highest among the groups gnomAD compares: East Asian, 0.022%; no homozygotes.

Submission:

Labcorp Genetics (formerly Invitae), Labcorp
Classification: Uncertain significance for Lymphoproliferative syndrome 1. Last evaluated: 2024-07-24. Review status: criteria provided, single submitter. Criteria: Invitae Variant Classification Sherloc (09022015). Collection method: clinical testing. Allele origin: germline.
Comment: This sequence change replaces arginine, which is basic and polar, with glycine, which is neutral and non-polar, at codon 166 of the ITK protein (p.Arg166Gly). This variant is not present in population databases (gnomAD no frequency). This variant has not been reported in the literature in individuals affected with ITK-related conditions. An algorithm developed to predict the effect of missense changes on protein structure and function (PolyPhen-2) suggests that this variant is likely to be tolerated. In summary, the available evidence is currently insufficient to determine the role of this variant in disease. Therefore, it has been classified as a Variant of Uncertain Significance.

NM_005546.4(ITK):c.496C>G (p.Arg166Gly)

Gene: ITK (IL2 inducible T cell kinase; plus strand). Cytogenetic location: 5q33.3.
Variant type: single nucleotide variant.
Coding change: c.496C>G on transcript NM_005546.4 (MANE Select); coding-DNA position 496, C replaced by G.
Protein change: p.Arg166Gly; replaces arginine 166 with glycine.
Molecular consequence: missense variant.
Genome position (GRCh38, 1-based): chr5:157,222,863, C>G. VCF-style: chr5-157222863-C-G. GRCh37 (hg19) VCF-style: chr5-156649873-C-G.
Other names: short protein forms R166G.
Identifiers: ClinVar variation 3611471 (VCV003611471.2).